The following is an entry in ClinVar:

NM_001256789.3(CACNA1F):c.1579C>T (p.Leu527Phe)

Gene: CACNA1F (calcium voltage-gated channel subunit alpha1 F; minus strand). Cytogenetic location: Xp11.23.
Variant type: single nucleotide variant.
Coding change: c.1579C>T on transcript NM_001256789.3 (MANE Select); coding-DNA position 1579, C replaced by T.
Protein change: p.Leu527Phe; replaces leucine 527 with phenylalanine.
Molecular consequence: missense variant.
Genome position (GRCh38, 1-based): chrX:49,225,981, G>A on the plus strand (C>T on the coding strand, the complement: CACNA1F is on the minus strand). VCF-style: chrX-49225981-G-A. GRCh37 (hg19) VCF-style: chrX-49082443-G-A.
Other names: c.1417C>T, p.Leu473Phe (NM_001256790.3); c.1612C>T, p.Leu538Phe (NM_005183.4); short protein forms L527F, L473F, L538F.
Identifiers: ClinVar variation 3678737 (VCV003678737.2).

ClinVar aggregate classification (germline): Uncertain significance (1 of 4 stars; one submission).

Submission:

Labcorp Genetics (formerly Invitae), Labcorp
Classification: Uncertain significance. Last evaluated: 2024-03-26. Review status: criteria provided, single submitter. Criteria: Invitae Variant Classification Sherloc (09022015). Collection method: clinical testing. Allele origin: germline.
Comment: This sequence change replaces leucine, which is neutral and non-polar, with phenylalanine, which is neutral and non-polar, at codon 538 of the CACNA1F protein (p.Leu538Phe). This variant is not present in population databases (gnomAD no frequency). This variant has not been reported in the literature in individuals affected with CACNA1F-related conditions. Advanced modeling of protein sequence and biophysical properties (such as structural, functional, and spatial information, amino acid conservation, physicochemical variation, residue mobility, and thermodynamic stability) performed at Invitae indicates that this missense variant is not expected to disrupt CACNA1F protein function with a negative predictive value of 80%. In summary, the available evidence is currently insufficient to determine the role of this variant in disease. Therefore, it has been classified as a Variant of Uncertain Significance.